The following is an entry in ClinVar:

NM_031885.5(BBS2):c.1517G>A (p.Arg506Gln)

Gene: BBS2 (Bardet-Biedl syndrome 2; minus strand). Cytogenetic location: 16q13.
Variant type: single nucleotide variant.
Coding change: c.1517G>A on transcript NM_031885.5 (MANE Select); coding-DNA position 1517, G replaced by A.
Protein change: p.Arg506Gln; replaces arginine 506 with glutamine.
Molecular consequence: missense variant. On other transcripts: non-coding transcript variant (5).
Genome position (GRCh38, 1-based): chr16:56,499,788, C>T on the plus strand (G>A on the coding strand, the complement: BBS2 is on the minus strand). VCF-style: chr16-56499788-C-T. GRCh37 (hg19) VCF-style: chr16-56533700-C-T.
Other names: c.1517G>A (NM_031885.3); c.1517G>A, p.Arg506Gln (NM_001377456.1); short protein forms R506Q.
Identifiers: ClinVar variation 999503 (VCV000999503.4), dbSNP rs1278932190, ClinGen allele CA395977549.

ClinVar aggregate classification (germline): Uncertain significance. Review status: criteria provided, single submitter (1 of 4 stars). 3 submissions from 3 submitters: Uncertain significance (1). 2 of the submissions do not count toward it. Last evaluated 2021-08-30.

Conditions:
Bardet-Biedl syndrome (BBS). Identifiers: Orphanet 110, MedGen C0752166, MONDO:0015229.
Bardet-Biedl syndrome 2 (BBS2). Identifiers: Orphanet 110, MedGen C2936863, MONDO:0014432, OMIM 615981.
BBS2-related disorder. Also called: BBS2-related disorders; BBS2-related condition. Identifiers: MedGen CN239228.

Allele frequency attached by ClinVar (database versions not stated): gnomAD 0.00001; gnomAD exomes below 0.00001.
gnomAD v4.1: 3 of 1,613,958 alleles (0.00019%); highest among the groups gnomAD compares: Admixed American, 0.0017%; no homozygotes.

Submissions (3):

Labcorp Genetics (formerly Invitae), Labcorp
Classification: Uncertain significance for Bardet-Biedl syndrome. Last evaluated: 2021-08-30. Review status: criteria provided, single submitter. Criteria: Invitae Variant Classification Sherloc (09022015). Collection method: clinical testing. Allele origin: germline.
Comment: This sequence change replaces arginine with glutamine at codon 506 of the BBS2 protein (p.Arg506Gln). The arginine residue is highly conserved and there is a small physicochemical difference between arginine and glutamine. This variant is not present in population databases (ExAC no frequency). This variant has not been reported in the literature in individuals affected with BBS2-related conditions. Algorithms developed to predict the effect of missense changes on protein structure and function (SIFT, PolyPhen-2, Align-GVGD) all suggest that this variant is likely to be disruptive. In summary, the available evidence is currently insufficient to determine the role of this variant in disease. Therefore, it has been classified as a Variant of Uncertain Significance.

PreventionGenetics, part of Exact Sciences
Classification: Uncertain significance for BBS2-related condition. Last evaluated: 2024-04-09. Review status: no assertion criteria provided. Collection method: clinical testing. Allele origin: germline. Not counted in ClinVar's aggregate classification.
Comment: The BBS2 c.1517G>A variant is predicted to result in the amino acid substitution p.Arg506Gln. To our knowledge, this variant has not been reported in the literature. This variant is reported in 0.0029% of alleles in individuals of Latino descent in gnomAD. At this time, the clinical significance of this variant is uncertain due to the absence of conclusive functional and genetic evidence.

Natera, Inc.
Classification: Uncertain significance for Bardet-Biedl syndrome type 2. Last evaluated: 2021-10-14. Review status: no assertion criteria provided. Collection method: clinical testing. Allele origin: germline. Not counted in ClinVar's aggregate classification.